The following is an entry in ClinVar:

NM_001430.5(EPAS1):c.1228G>A (p.Ala410Thr)

Gene: EPAS1 (endothelial PAS domain protein 1; plus strand). Cytogenetic location: 2p21.
Variant type: single nucleotide variant.
Coding change: c.1228G>A on transcript NM_001430.5 (MANE Select); coding-DNA position 1228, G replaced by A.
Protein change: p.Ala410Thr; replaces alanine 410 with threonine.
Molecular consequence: missense variant.
Genome position (GRCh38, 1-based): chr2:46,376,732, G>A. VCF-style: chr2-46376732-G-A. GRCh37 (hg19) VCF-style: chr2-46603871-G-A.
Other names: short protein forms A410T.
Identifiers: ClinVar variation 336263 (VCV000336263.8), dbSNP rs539540390, ClinGen allele CA1644915.

ClinVar aggregate classification (germline): Conflicting classifications of pathogenicity. Review status: criteria provided, conflicting classifications (1 of 4 stars). 3 submissions from 3 submitters: Uncertain significance (1); Benign (1); Likely benign (1). Last evaluated 2025-12-11.

Conditions:
Inborn genetic diseases. Identifiers: MedGen C0950123, MeSH D030342.
Erythrocytosis, familial, 4 (ECYT4). Identifiers: Orphanet 247511, MedGen C2673187, MONDO:0012729, OMIM 611783.

Allele frequency attached by ClinVar (database versions not stated): gnomAD 0.00006 and 0.00008; TOPMed 0.00004; 1000 Genomes Project 0.00060; 1000 Genomes Project 30x 0.00047.
gnomAD v4.1: 63 of 1,612,590 alleles (0.0039%); highest among the groups gnomAD compares: East Asian, 0.062%; no homozygotes.

Submissions (3):

Ambry Genetics
Classification: Uncertain significance for Inborn genetic diseases. Last evaluated: 2025-12-11. Review status: criteria provided, single submitter. Criteria: Ambry Variant Classification Scheme 2023. Collection method: clinical testing. Allele origin: germline.

Labcorp Genetics (formerly Invitae), Labcorp
Classification: Likely benign. Last evaluated: 2024-11-19. Review status: criteria provided, single submitter. Criteria: Invitae Variant Classification Sherloc (09022015). Collection method: clinical testing. Allele origin: germline.

Illumina Laboratory Services, Illumina
Classification: Benign for Erythrocytosis, familial, 4. Last evaluated: 2018-01-12. Review status: criteria provided, single submitter. Criteria: ICSL Variant Classification Criteria 13 December 2019. Collection method: clinical testing. Allele origin: germline.
Comment: This variant was observed in the ICSL laboratory as part of a predisposition screen in an ostensibly healthy population. It had not been previously curated by ICSL or reported in the Human Gene Mutation Database (HGMD: prior to June 1st, 2018), and was therefore a candidate for classification through an automated scoring system. Utilizing variant allele frequency, disease prevalence and penetrance estimates, and inheritance mode, an automated score was calculated to assess if this variant is too frequent to cause the disease. Based on the score and internal cut-off values, a variant classified as benign is not then subjected to further curation. The score for this variant resulted in a classification of benign for this disease.